The following is an entry in ClinVar:

ClinVar aggregate classification (germline): Likely benign. Review status: criteria provided, single submitter (1 of 4 stars). 2 submissions from 2 submitters: Likely benign (1). 1 of the submissions does not count toward it. Last evaluated 2025-12-01.

Conditions:
SATB1-related disorder. Also called: SATB1-related condition.

Allele frequency attached by ClinVar (database versions not stated): 1000 Genomes Project 30x 0.00062; ExAC 0.00062; ESP Exome Variant Server 0.00062; 1000 Genomes Project 0.00080; TOPMed 0.00080; gnomAD 0.00082; gnomAD exomes 0.00118.
gnomAD v4.1: 1,815 of 1,614,118 alleles (0.11%); highest among the groups gnomAD compares: Non-Finnish European, 0.14%; 1 homozygote.

Submissions (2):

CeGaT Center for Human Genetics Tuebingen
Classification: Likely benign. Last evaluated: 2025-12-01. Review status: criteria provided, single submitter. Criteria: CeGaT Center For Human Genetics Tuebingen Variant Classification Criteria Version 2. Collection method: clinical testing. Allele origin: germline. Affected: yes. Observed: 1 variant allele.
Comment: SATB1: BS1

PreventionGenetics, part of Exact Sciences
Classification: Likely benign for SATB1-related condition. Last evaluated: 2022-04-25. Review status: no assertion criteria provided. Collection method: clinical testing. Allele origin: germline. Not counted in ClinVar's aggregate classification.
Comment: This variant is classified as likely benign based on ACMG/AMP sequence variant interpretation guidelines (Richards et al. 2015 PMID: 25741868, with internal and published modifications).

NM_002971.6(SATB1):c.1097C>T (p.Ser366Leu)

Gene: SATB1 (SATB homeobox 1; minus strand). Cytogenetic location: 3p24.3.
Variant type: single nucleotide variant.
Coding change: c.1097C>T on transcript NM_002971.6 (MANE Select); coding-DNA position 1097, C replaced by T.
Protein change: p.Ser366Leu; replaces serine 366 with leucine.
Molecular consequence: missense variant.
Genome position (GRCh38, 1-based): chr3:18,394,571, G>A on the plus strand (C>T on the coding strand, the complement: SATB1 is on the minus strand). VCF-style: chr3-18394571-G-A. GRCh37 (hg19) VCF-style: chr3-18436063-G-A.
Other names: c.1097C>T, p.Ser366Leu (NM_001131010.4, NM_001195470.3, NM_001322871.2 and 4 more transcripts); c.881C>T, p.Ser294Leu (NM_001322876.2); short protein forms S294L, S366L.
Identifiers: ClinVar variation 3056053 (VCV003056053.7), dbSNP rs148337599, ClinGen allele CA2282093.
Genomic context (GRCh38, chr3:18,394,571, plus strand): 5'-GCTCGTTTCAGTTCATCGCGTACCCACTGGTAGATTTCGGAAGACACCTCTGTGTTGGTC[G>A]AAACCTGTTGCTCCAAAGGCTTATTCATAGATCTACTGACAGGGGGAGGGTGGTTCAAGT-3'
Protein context (NP_002962.1, residues 356-376): SMNKPLEQQV[Ser366Leu]TNTEVSSEIY